The following is an entry in ClinVar:

NM_007375.4(TARDBP):c.*1008T>G

Gene: TARDBP (TAR DNA binding protein; plus strand). Cytogenetic location: 1p36.22.
Variant type: single nucleotide variant.
Coding change: c.*1008T>G on transcript NM_007375.4 (MANE Select); 1008 bases downstream of the stop codon, T replaced by G.
Molecular consequence: 3 prime UTR variant.
Genome position (GRCh38, 1-based): chr1:11,023,662, T>G. VCF-style: chr1-11023662-T-G. GRCh37 (hg19) VCF-style: chr1-11083719-T-G.
Identifiers: ClinVar variation 291750 (VCV000291750.5), dbSNP rs141412238, ClinGen allele CA10607401.
Genomic context (GRCh38, chr1:11,023,662, plus strand): 5'-ATAGCAAATAATGTACGAATGTTTTTTGCATTCAAAGGACATCCACATCTGTTGGAAGAC[T>G]TTTAAGTGAGTTTTTGTTCTTAGATAACCCACATTAGATGAATGTGTTAAGTGAAATGAT-3'

ClinVar aggregate classification (germline): Likely benign (1 of 4 stars; one submission).

Conditions:
Amyotrophic lateral sclerosis type 10 (ALS10). Also called: AMYOTROPHIC LATERAL SCLEROSIS 10 WITHOUT FRONTOTEMPORAL DEMENTIA AND WITH TDP43 INCLUSIONS; AMYOTROPHIC LATERAL SCLEROSIS 10 WITH OR WITHOUT FRONTOTEMPORAL DEMENTIA AND WITH TDP43 INCLUSIONS; AMYOTROPHIC LATERAL SCLEROSIS 10 WITH OR WITHOUT FRONTOTEMPORAL DEMENTIA; TARDBP-Related Amyotrophic Lateral Sclerosis-Frontotemporal Dementia; Amyotrophic lateral sclerosis 10, with or without FTD. Identifiers: Orphanet 275872, Orphanet 803, MedGen C2677565, MONDO:0012790, OMIM 612069.

Allele frequency attached by ClinVar (database versions not stated): 1000 Genomes Project 30x 0.00047; 1000 Genomes Project 0.00060; TOPMed 0.00111; gnomAD 0.00140 and 0.00145; gnomAD exomes 0.00175.
gnomAD v4.1: 310 of 207,592 alleles (0.15%); highest among the groups gnomAD compares: Non-Finnish European, 0.23%; 2 homozygotes.

Submission:

Illumina Laboratory Services, Illumina
Classification: Likely benign for Amyotrophic lateral sclerosis type 10. Last evaluated: 2017-04-27. Review status: criteria provided, single submitter. Criteria: ICSL Variant Classification Criteria 13 December 2019. Collection method: clinical testing. Allele origin: germline.
Comment: This variant was observed as part of a predisposition screen in an ostensibly healthy population. A literature search was performed for the gene, cDNA change, and amino acid change (where applicable). No publications were found based on this search. Allele frequency data from public databases allowed determination this variant is unlikely to cause disease. Therefore, this variant is classified as likely benign.